The following is an entry in ClinVar:

ClinVar aggregate classification (germline): Likely benign. Review status: criteria provided, multiple submitters, no conflicts (2 of 4 stars). 4 submissions from 4 submitters: Likely benign (4). Last evaluated 2026-01-28.

Conditions:
Cardiac arrhythmia. Also called: Arrhythmia; Cardiac rhythm disease. Identifiers: MedGen C0003811, MONDO:0007263, HP:0011675.
Long QT syndrome (LQTS). Identifiers: MedGen C0023976, MeSH D008133, MONDO:0002442. Disease mechanism: loss of function. Inheritance: Various modes of inheritance.

Allele frequency attached by ClinVar (database versions not stated): gnomAD exomes 0.00004 and 0.00006; ExAC 0.00005; 1000 Genomes Project 30x 0.00016; 1000 Genomes Project 0.00020; gnomAD 0.00020 and 0.00022; ESP Exome Variant Server 0.00023; TOPMed 0.00025.
gnomAD v4.1: 94 of 1,591,856 alleles (0.0059%); highest among the groups gnomAD compares: African/African-American, 0.074%; no homozygotes.

Submissions (4):

Labcorp Genetics (formerly Invitae), Labcorp
Classification: Likely benign for Long QT syndrome. Last evaluated: 2026-01-28. Review status: criteria provided, single submitter. Criteria: Invitae Variant Classification Sherloc (09022015). Collection method: clinical testing. Allele origin: germline.

All of Us Research Program, National Institutes of Health
Classification: Likely benign for Long QT syndrome. Last evaluated: 2023-12-13. Review status: criteria provided, single submitter. Criteria: ACMG Guidelines, 2015. Collection method: clinical testing. Allele origin: germline. Inheritance: Autosomal dominant inheritance. Observed: 18 variant alleles, 18 heterozygotes.
Comment: This study involves interpretation of variants in research participants for the purpose of population health screening. Participant phenotype was not available at the time of variant classification. Additional details can be found in publication PMID: 35346344, PMCID: PMC8962531

GeneDx
Classification: Likely benign. Last evaluated: 2020-05-21. Review status: criteria provided, single submitter. Criteria: GeneDx Variant Classification Process June 2021. Collection method: clinical testing. Allele origin: germline. Affected: yes.

Color Diagnostics, LLC DBA Color Health
Classification: Likely benign for Arrhythmia. Last evaluated: 2018-10-25. Review status: criteria provided, single submitter. Criteria: ACMG Guidelines, 2015. Collection method: clinical testing. Allele origin: germline.

NM_000238.4(KCNH2):c.1946-9C>T

Gene: KCNH2 (potassium voltage-gated channel subfamily H member 2; minus strand). Cytogenetic location: 7q36.1.
Variant type: single nucleotide variant.
Coding change: c.1946-9C>T on transcript NM_000238.4 (MANE Select); 9 bases into the intron before coding-DNA position 1946, C replaced by T.
Molecular consequence: intron variant.
Genome position (GRCh38, 1-based): chr7:150,951,129, G>A on the plus strand (C>T on the coding strand, the complement: KCNH2 is on the minus strand). VCF-style: chr7-150951129-G-A. GRCh37 (hg19) VCF-style: chr7-150648217-G-A.
Other names: c.1658-9C>T (NM_001406753.1, NM_001406756.1); c.926-9C>T (NM_172057.3, NM_001204798.2); c.1946-9C>T (NM_172056.3); c.1769-9C>T (NM_001406755.1); c.1646-9C>T (NM_001406757.1).
Identifiers: ClinVar variation 456893 (VCV000456893.19), dbSNP rs367997739, ClinGen allele CA030199.
Genomic context (GRCh38, chr7:150,951,129, plus strand): 5'-AGCCGCTGGATGATGGCCGACACGTTGCCGAAGATGCTAGCATACATGAGGGCTGGGGGC[G>A]TGGGCACGTGGGGCCGTCAGCCTCTGCAGGGACCCCACCCACCCACAGGGACCCTGCTCA-3'